The following is an entry in ClinVar:

NM_005876.5(SPEG):c.4242C>A (p.Asn1414Lys)

Gene: SPEG (striated muscle enriched protein kinase; plus strand). Cytogenetic location: 2q35.
Variant type: single nucleotide variant.
Coding change: c.4242C>A on transcript NM_005876.5 (MANE Select); coding-DNA position 4242, C replaced by A.
Protein change: p.Asn1414Lys; replaces asparagine 1414 with lysine.
Molecular consequence: missense variant.
Genome position (GRCh38, 1-based): chr2:219,473,598, C>A. VCF-style: chr2-219473598-C-A. GRCh37 (hg19) VCF-style: chr2-220338320-C-A.
Other names: short protein forms N1414K.
Identifiers: ClinVar variation 2044029 (VCV002044029.2), dbSNP rs1468872943, ClinGen allele CA350676609.

ClinVar aggregate classification (germline): Uncertain significance (1 of 4 stars; one submission).

Allele frequency attached by ClinVar (database versions not stated): gnomAD 0.00001; TOPMed 0.00001.
gnomAD v4.1: 4 of 1,614,088 alleles (0.00025%); highest among the groups gnomAD compares: African/African-American, 0.0013%; no homozygotes.

Submission:

Labcorp Genetics (formerly Invitae), Labcorp
Classification: Uncertain significance. Last evaluated: 2022-03-14. Review status: criteria provided, single submitter. Criteria: Invitae Variant Classification Sherloc (09022015). Collection method: clinical testing. Allele origin: germline.
Comment: In summary, the available evidence is currently insufficient to determine the role of this variant in disease. Therefore, it has been classified as a Variant of Uncertain Significance. Algorithms developed to predict the effect of missense changes on protein structure and function are either unavailable or do not agree on the potential impact of this missense change (SIFT: "Deleterious"; PolyPhen-2: "Probably Damaging"; Align-GVGD: "Class C0"). This variant has not been reported in the literature in individuals affected with SPEG-related conditions. This variant is present in population databases (no rsID available, gnomAD 0.0009%). This sequence change replaces asparagine, which is neutral and polar, with lysine, which is basic and polar, at codon 1414 of the SPEG protein (p.Asn1414Lys).